The following is an entry in ClinVar:

ClinVar aggregate classification (germline): Likely benign. Review status: criteria provided, multiple submitters, no conflicts (2 of 4 stars). 5 submissions from 5 submitters: Likely benign (5). Last evaluated 2025-07-15.

Conditions:
Cardiovascular phenotype. Identifiers: MedGen CN230736.
Dilated cardiomyopathy 1G (CMD1G). Identifiers: Orphanet 154, MedGen C1858763, MONDO:0011400, OMIM 604145.
Autosomal recessive limb-girdle muscular dystrophy type 2J (LGMDR10). Also called: Limb-girdle muscular dystrophy, type 2J; MUSCULAR DYSTROPHY, LIMB-GIRDLE, AUTOSOMAL RECESSIVE 10. Identifiers: Orphanet 140922, MedGen C1837342, MONDO:0012127, OMIM 608807.

Allele frequency attached by ClinVar (database versions not stated): gnomAD exomes 0.00002 and 0.00001; TOPMed 0.00001.
gnomAD v4.1: 25 of 1,612,802 alleles (0.0016%); highest among the groups gnomAD compares: South Asian, 0.0022%; no homozygotes.

Submissions (5):

Ambry Genetics
Classification: Likely benign for Cardiovascular phenotype. Last evaluated: 2025-07-15. Review status: criteria provided, single submitter. Criteria: Ambry Variant Classification Scheme 2023. Collection method: clinical testing. Allele origin: germline.

Labcorp Genetics (formerly Invitae), Labcorp
Classification: Likely benign for Dilated cardiomyopathy 1G; Autosomal recessive limb-girdle muscular dystrophy type 2J. Last evaluated: 2025-04-17. Review status: criteria provided, single submitter. Criteria: Invitae Variant Classification Sherloc (09022015). Collection method: clinical testing. Allele origin: germline.

Women's Health and Genetics/Laboratory Corporation of America, LabCorp
Classification: Likely benign. Last evaluated: 2022-06-16. Review status: criteria provided, single submitter. Criteria: LabCorp Variant Classification Summary - May 2015. Collection method: clinical testing. Allele origin: germline.

Blueprint Genetics
Classification: Likely benign. Last evaluated: 2022-04-28. Review status: criteria provided, single submitter. Criteria: ACMG Guidelines, 2015. Collection method: clinical testing. Allele origin: germline.

GeneDx
Classification: Likely benign. Last evaluated: 2017-09-26. Review status: criteria provided, single submitter. Criteria: GeneDx Variant Classification (06012015). Collection method: clinical testing. Allele origin: germline. Affected: yes.
Comment: This variant is considered likely benign or benign based on one or more of the following criteria: it is a conservative change, it occurs at a poorly conserved position in the protein, it is predicted to be benign by multiple in silico algorithms, and/or has population frequency not consistent with disease.

NM_001267550.2(TTN):c.66048C>T (p.Ser22016=)

Genes: TTN (titin; minus strand), TTN-AS1 (TTN antisense RNA 1; plus strand). Cytogenetic location: 2q31.2.
Variant type: single nucleotide variant.
Coding change: c.66048C>T on transcript NM_001267550.2 (MANE Select); coding-DNA position 66048, C replaced by T.
Protein change: p.Ser22016=; no amino-acid change (serine 22016 retained).
Molecular consequence: synonymous variant.
Genome position (GRCh38, 1-based): chr2:178,582,408, G>A on the plus strand (C>T on the coding strand, the complement: TTN is on the minus strand). VCF-style: chr2-178582408-G-A. GRCh37 (hg19) VCF-style: chr2-179447135-G-A.
Other names: c.61125C>T, p.Ser20375= (NM_001256850.1); c.38853C>T, p.Ser12951= (NM_003319.4); c.58344C>T, p.Ser19448= (NM_133378.4); c.39228C>T, p.Ser13076= (NM_133432.3); c.39429C>T, p.Ser13143= (NM_133437.4).
Identifiers: ClinVar variation 413213 (VCV000413213.11), dbSNP rs997612485, ClinGen allele CA16610350.
Genomic context (GRCh38, chr2:178,582,408, plus strand): 5'-ATATTTATTTTCAGCACAAATACGGAACTGATACTCATGGCCCTCTATAAGTTTCTCCAC[G>A]CTGCAGCTGGTGATAGGCACAGTTGCAGAGACTTGAGCCCAGTTGGGCCTGCTTGTTTCA-3'
Protein context (NP_001254479.2, residues 22006-22026): VSATVPITSC[Ser22016=]VEKLIEGHEY